The following is an entry in ClinVar:

NM_001127453.2(GSDME):c.405-12T>C

Gene: GSDME (gasdermin E; minus strand). Cytogenetic location: 7p15.3.
Variant type: single nucleotide variant.
Coding change: c.405-12T>C on transcript NM_001127453.2 (MANE Select); 12 bases into the intron before coding-DNA position 405, T replaced by C.
Molecular consequence: intron variant.
Genome position (GRCh38, 1-based): chr7:24,719,230, A>G on the plus strand (T>C on the coding strand, the complement: GSDME is on the minus strand). VCF-style: chr7-24719230-A-G. GRCh37 (hg19) VCF-style: chr7-24758849-A-G.
Other names: c.-88-12T>C (NM_001127454.2); c.405-12T>C (NM_004403.3).
Identifiers: ClinVar variation 163039 (VCV000163039.13), dbSNP rs202246404, ClinGen allele CA175635.

ClinVar aggregate classification (germline): Benign/Likely benign. Review status: criteria provided, multiple submitters, no conflicts (2 of 4 stars). 5 submissions from 5 submitters: Benign (2); Likely benign (3). Last evaluated 2025-11-03.

Conditions:
Autosomal dominant nonsyndromic hearing loss 5. Identifiers: Orphanet 90635, MedGen C1832932, MONDO:0010973, OMIM 600994.

Allele frequency attached by ClinVar (database versions not stated): gnomAD 0.00002 and 0.00017; TOPMed 0.00005; ESP Exome Variant Server 0.00008; 1000 Genomes Project 0.00040; gnomAD exomes 0.00040 and 0.00079; 1000 Genomes Project 30x 0.00062; ExAC 0.00089.
gnomAD v4.1: 625 of 1,608,426 alleles (0.039%); highest among the groups gnomAD compares: South Asian, 0.6%; 4 homozygotes.

Submissions (5):

Labcorp Genetics (formerly Invitae), Labcorp
Classification: Benign. Last evaluated: 2025-11-03. Review status: criteria provided, single submitter. Criteria: Invitae Variant Classification Sherloc (09022015). Collection method: clinical testing. Allele origin: germline.

Blueprint Genetics
Classification: Likely benign. Last evaluated: 2024-10-30. Review status: criteria provided, single submitter. Criteria: ACMG Guidelines, 2015. Collection method: clinical testing. Allele origin: germline.

GeneDx
Classification: Likely benign. Last evaluated: 2020-03-03. Review status: criteria provided, single submitter. Criteria: GeneDx Variant Classification Process June 2021. Collection method: clinical testing. Allele origin: germline. Affected: yes.

Illumina Laboratory Services, Illumina
Classification: Benign for Autosomal dominant nonsyndromic hearing loss 5. Last evaluated: 2018-01-12. Review status: criteria provided, single submitter. Criteria: ICSL Variant Classification Criteria 13 December 2019. Collection method: clinical testing. Allele origin: germline.
Comment: This variant was observed in the ICSL laboratory as part of a predisposition screen in an ostensibly healthy population. It had not been previously curated by ICSL or reported in the Human Gene Mutation Database (HGMD: prior to June 1st, 2018), and was therefore a candidate for classification through an automated scoring system. Utilizing variant allele frequency, disease prevalence and penetrance estimates, and inheritance mode, an automated score was calculated to assess if this variant is too frequent to cause the disease. Based on the score and internal cut-off values, a variant classified as benign is not then subjected to further curation. The score for this variant resulted in a classification of benign for this disease.

Laboratory for Molecular Medicine, Mass General Brigham Personalized Medicine
Classification: Likely benign. Last evaluated: 2013-11-06. Review status: criteria provided, single submitter. Criteria: LMM Criteria. Collection method: clinical testing. Allele origin: germline. Observed: 1 variant allele.
Comment: 405-12T>C in Intron 3 of DFNA5: This variant is not expected to have clinical si gnificance because it does not diverge from the splice site consensus sequence a nd computational tools do not predict an impact to splicing. This variant has be en identified in 0.02% (1/4406) of African American chromosomes by the NHLBI Exo me Sequencing Project (dbSNP rs202246404).